The following is an entry in ClinVar:

ClinVar aggregate classification (germline): Uncertain significance. Review status: criteria provided, multiple submitters, no conflicts (2 of 4 stars). 2 submissions from 2 submitters: Uncertain significance (2). Last evaluated 2025-04-02.

Conditions:
Primary ciliary dyskinesia. Also called: Ciliary dyskinesia. Identifiers: Orphanet 244, MedGen C0008780, MONDO:0016575, HP:0012265.

Allele frequency attached by ClinVar (database versions not stated): gnomAD exomes below 0.00001 and 0.00001; ExAC 0.00001; gnomAD 0.00001; TOPMed 0.00001.
gnomAD v4.1: 9 of 1,574,624 alleles (0.00057%); highest among the groups gnomAD compares: Middle Eastern, 0.067%; no homozygotes.

Submissions (2):

Ambry Genetics
Classification: Uncertain significance. Last evaluated: 2025-04-02. Review status: criteria provided, single submitter. Criteria: Ambry Variant Classification Scheme 2023. Collection method: clinical testing. Allele origin: germline.

Labcorp Genetics (formerly Invitae), Labcorp
Classification: Uncertain significance for Primary ciliary dyskinesia. Last evaluated: 2022-05-03. Review status: criteria provided, single submitter. Criteria: Invitae Variant Classification Sherloc (09022015). Collection method: clinical testing. Allele origin: germline.
Comment: This sequence change replaces threonine, which is neutral and polar, with isoleucine, which is neutral and non-polar, at codon 3017 of the DNAH8 protein (p.Thr3017Ile). This variant is present in population databases (rs776762950, gnomAD 0.004%). This variant has not been reported in the literature in individuals affected with DNAH8-related conditions. ClinVar contains an entry for this variant (Variation ID: 454608). Algorithms developed to predict the effect of missense changes on protein structure and function are either unavailable or do not agree on the potential impact of this missense change (SIFT: "Deleterious"; PolyPhen-2: "Not Available"; Align-GVGD: "Class C0"). In summary, the available evidence is currently insufficient to determine the role of this variant in disease. Therefore, it has been classified as a Variant of Uncertain Significance.

NM_001206927.2(DNAH8):c.9050C>T (p.Thr3017Ile)

Gene: DNAH8 (dynein axonemal heavy chain 8; plus strand). Cytogenetic location: 6p21.2.
Variant type: single nucleotide variant.
Coding change: c.9050C>T on transcript NM_001206927.2 (MANE Select); coding-DNA position 9050, C replaced by T.
Protein change: p.Thr3017Ile; replaces threonine 3017 with isoleucine.
Molecular consequence: missense variant.
Genome position (GRCh38, 1-based): chr6:38,898,367, C>T. VCF-style: chr6-38898367-C-T. GRCh37 (hg19) VCF-style: chr6-38866143-C-T.
Other names: c.8399C>T, p.Thr2800Ile (NM_001371.4); short protein forms T3017I, T2800I.
Identifiers: ClinVar variation 454608 (VCV000454608.7), dbSNP rs776762950, ClinGen allele CA3790373.